The following is an entry in ClinVar:

ClinVar aggregate classification (germline): Uncertain significance. Review status: criteria provided, multiple submitters, no conflicts (2 of 4 stars). 3 submissions from 3 submitters: Uncertain significance (2). 1 of the submissions does not count toward it. Last evaluated 2023-02-28.

Conditions:
TERT-related disorder. Also called: TERT-related disorders; TERT-related condition.
Dyskeratosis congenita, autosomal dominant 2. Identifiers: MedGen C3151443, MONDO:0013521, OMIM 613989.
Dyskeratosis congenita. Identifiers: Orphanet 1775, MedGen C0265965, MONDO:0015780.

Allele frequency attached by ClinVar (database versions not stated): gnomAD exomes below 0.00001; gnomAD 0.00001; TOPMed 0.00002; ExAC 0.00001.
gnomAD v4.1: 1 of 1,613,996 alleles (0.000062%); highest among the groups gnomAD compares: African/African-American, 0.0013%; no homozygotes.

Submissions (3):

Ambry Genetics
Classification: Uncertain significance for Dyskeratosis congenita. Last evaluated: 2023-02-28. Review status: criteria provided, single submitter. Criteria: Ambry Variant Classification Scheme 2023. Collection method: clinical testing. Allele origin: germline.
Comment: The p.A542S variant (also known as c.1624G>T), located in coding exon 3 of the TERT gene, results from a G to T substitution at nucleotide position 1624. The alanine at codon 542 is replaced by serine, an amino acid with similar properties. This amino acid position is conserved. In addition, this alteration is predicted to be tolerated by in silico analysis. Since supporting evidence is limited at this time, the clinical significance of this alteration remains unclear.

Baylor Genetics
Classification: Uncertain significance for Dyskeratosis congenita, autosomal dominant 2. Last evaluated: 2019-09-10. Review status: criteria provided, single submitter. Criteria: ACMG Guidelines, 2015. Collection method: clinical testing. Allele origin: unknown. Affected: yes. Study: CSER-TexasKidsCanSeq.
Comment: This variant was determined to be of uncertain significance according to ACMG Guidelines, 2015 [PMID:25741868].

PreventionGenetics, part of Exact Sciences
Classification: Uncertain significance for TERT-related condition. Last evaluated: 2024-06-13. Review status: no assertion criteria provided. Collection method: clinical testing. Allele origin: germline. Not counted in ClinVar's aggregate classification.
Comment: The TERT c.1624G>T variant is predicted to result in the amino acid substitution p.Ala542Ser. To our knowledge, this variant has not been reported in the literature. This variant is reported in 0.0062% of alleles in individuals of African descent in gnomAD. The c.1624G>T variant has been classified as a variant of uncertain significance by multiple labs in ClinVar. At this time, the clinical significance of this variant is uncertain due to the absence of conclusive functional and genetic evidence.

NM_198253.3(TERT):c.1624G>T (p.Ala542Ser)

Gene: TERT (telomerase reverse transcriptase; minus strand). Cytogenetic location: 5p15.33.
Variant type: single nucleotide variant.
Coding change: c.1624G>T on transcript NM_198253.3 (MANE Select); coding-DNA position 1624, G replaced by T.
Protein change: p.Ala542Ser; replaces alanine 542 with serine.
Molecular consequence: missense variant. On other transcripts: non-coding transcript variant (2).
Genome position (GRCh38, 1-based): chr5:1,282,574, C>A on the plus strand (G>T on the coding strand, the complement: TERT is on the minus strand). VCF-style: chr5-1282574-C-A. GRCh37 (hg19) VCF-style: chr5-1282689-C-A.
Other names: c.1624G>T, p.Ala542Ser (NM_001193376.3); short protein forms A542S.
Identifiers: ClinVar variation 998226 (VCV000998226.4), dbSNP rs771542084, ClinGen allele CA3184792.
Genomic context (GRCh38, chr5:1,282,574, plus strand): 5'-AAAAGAAAGACCTGAGCAGCTCGACGACGTACACACTCATCAGCCAGTGCAGGAACTTGG[C>A]CAGGATCTCCTCACGCAGACGGTGCTCTGCGGCCGGAACACAGCCAACCCCTTAAACGAG-3'
Protein context (NP_937983.2, residues 532-552): AEHRLREEIL[Ala542Ser]KFLHWLMSVY